The following is an entry in ClinVar:

ClinVar aggregate classification (germline): Uncertain significance (1 of 4 stars; one submission).

Conditions:
Inborn genetic diseases. Identifiers: MedGen C0950123, MeSH D030342.

Submission:

Ambry Genetics
Classification: Uncertain significance for Inborn genetic diseases. Last evaluated: 2024-01-01. Review status: criteria provided, single submitter. Criteria: Ambry Variant Classification Scheme 2023. Collection method: clinical testing. Allele origin: germline.
Comment: The p.R651S variant (also known as c.1953A>C), located in coding exon 12 of the PIK3CA gene, results from an A to C substitution at nucleotide position 1953. The arginine at codon 651 is replaced by serine, an amino acid with dissimilar properties. This amino acid position is conserved. In addition, this alteration is predicted to be deleterious by in silico analysis. Since supporting evidence is limited at this time, the clinical significance of this alteration remains unclear.

NM_006218.4(PIK3CA):c.1953A>C (p.Arg651Ser)

Gene: PIK3CA (phosphatidylinositol-4,5-bisphosphate 3-kinase catalytic subunit alpha; plus strand). Cytogenetic location: 3q26.32.
Variant type: single nucleotide variant.
Coding change: c.1953A>C on transcript NM_006218.4 (MANE Select); coding-DNA position 1953, A replaced by C.
Protein change: p.Arg651Ser; replaces arginine 651 with serine.
Molecular consequence: missense variant.
Genome position (GRCh38, 1-based): chr3:179,219,990, A>C. VCF-style: chr3-179219990-A-C. GRCh37 (hg19) VCF-style: chr3-178937778-A-C.
Other names: short protein forms R651S.
Identifiers: ClinVar variation 3225347 (VCV003225347.1), dbSNP rs2473528798, ClinGen allele CA355267214.